The following is an entry in ClinVar:

NM_005141.5(FGB):c.318T>C (p.Cys106=)

Gene: FGB (fibrinogen beta chain; plus strand). Cytogenetic location: 4q31.3.
Variant type: single nucleotide variant.
Coding change: c.318T>C on transcript NM_005141.5 (MANE Select); coding-DNA position 318, T replaced by C.
Protein change: p.Cys106=; no amino-acid change (cysteine 106 retained).
Molecular consequence: synonymous variant. On other transcripts: intron variant (2).
Genome position (GRCh38, 1-based): chr4:154,566,500, T>C. VCF-style: chr4-154566500-T-C. GRCh37 (hg19) VCF-style: chr4-155487652-T-C.
Other names: c.318T>C, p.Cys106= (NM_001382760.1, NM_001382761.1, NM_001382762.1 and 3 more transcripts); c.166-25T>C (NM_001184741.1); c.307-121T>C (NM_001382759.1).
Identifiers: ClinVar variation 347772 (VCV000347772.14), dbSNP rs6055, ClinGen allele CA3114511.

ClinVar aggregate classification (germline): Benign. Review status: criteria provided, multiple submitters, no conflicts (2 of 4 stars). 3 submissions from 3 submitters: Benign (3). Last evaluated 2026-02-02.

Conditions:
Congenital afibrinogenemia. Identifiers: Orphanet 335, Orphanet 98880, MedGen C2584774, MONDO:0008737, OMIM 202400.

Allele frequency attached by ClinVar (database versions not stated): TOPMed 0.01427; 1000 Genomes Project 0.01597; 1000 Genomes Project 30x 0.01765; gnomAD exomes 0.00120 and 0.00322; ExAC 0.00404; gnomAD 0.01256 and 0.01339; ESP Exome Variant Server 0.01322.
gnomAD v4.1: 3,744 of 1,614,078 alleles (0.23%); highest among the groups gnomAD compares: African/African-American, 4.4%; 75 homozygotes.

Submissions (3):

Labcorp Genetics (formerly Invitae), Labcorp
Classification: Benign. Last evaluated: 2026-02-02. Review status: criteria provided, single submitter. Criteria: Invitae Variant Classification Sherloc (09022015). Collection method: clinical testing. Allele origin: germline.

Illumina Laboratory Services, Illumina
Classification: Benign for Congenital afibrinogenemia. Last evaluated: 2018-01-12. Review status: criteria provided, single submitter. Criteria: ICSL Variant Classification Criteria 13 December 2019. Collection method: clinical testing. Allele origin: germline.
Comment: This variant was observed in the ICSL laboratory as part of a predisposition screen in an ostensibly healthy population. It had not been previously curated by ICSL or reported in the Human Gene Mutation Database (HGMD: prior to June 1st, 2018), and was therefore a candidate for classification through an automated scoring system. Utilizing variant allele frequency, disease prevalence and penetrance estimates, and inheritance mode, an automated score was calculated to assess if this variant is too frequent to cause the disease. Based on the score and internal cut-off values, a variant classified as benign is not then subjected to further curation. The score for this variant resulted in a classification of benign for this disease.

Breakthrough Genomics
Classification: Benign. Review status: criteria provided, single submitter. Criteria: ACMG Guidelines, 2015. Collection method: not provided. Allele origin: germline. Inheritance: Autosomal recessive inheritance. Affected: yes.